The following is an entry in ClinVar:

NM_000426.4(LAMA2):c.4945del (p.Glu1649fs)

Gene: LAMA2 (laminin subunit alpha 2; plus strand). Cytogenetic location: 6q22.33.
Variant type: Deletion.
Coding change: c.4945del on transcript NM_000426.4 (MANE Select); coding-DNA position 4945, one base deleted (G; older notation c.4945delG).
Protein change: p.Glu1649fs; shifts the reading frame from glutamic acid 1649.
Molecular consequence: frameshift variant.
Genome position (GRCh38, 1-based): chr6:129,369,976, G deleted. VCF-style (leftmost placement, unchanged base first): chr6-129369975-CG-C. GRCh37 (hg19) VCF-style: chr6-129691120-CG-C.
Other names: c.4945del, p.Glu1649fs (NM_001079823.2); short protein forms E1649fs.
Identifiers: ClinVar variation 5013800 (VCV005013800.1).

ClinVar aggregate classification (germline): Pathogenic (1 of 4 stars; one submission).

Conditions:
LAMA2-related muscular dystrophy (LAMA2-RD). Also called: Laminin alpha 2-related dystrophy. Identifiers: MedGen C5679788, MONDO:0100228.

Submission:

Myriad Genetics, Inc.
Classification: Pathogenic for LAMA2-related muscular dystrophy. Last evaluated: 2024-11-24. Review status: criteria provided, single submitter. Criteria: Myriad Autosomal Dominant, Autosomal Recessive and X-Linked Classification Criteria (2023). Collection method: clinical testing. Allele origin: unknown.
Comment: NM_000426.3(LAMA2):c.4945delG(E1649Sfs*3) is expected to be pathogenic in the context of muscular dystrophy, LAMA2-related. This variant is predicted to lead to an abnormal or absent protein product due to the creation of a premature termination codon in LAMA2, a gene where loss-of-function variants are known to be pathogenic. Please note: this variant was assessed in the context of healthy population screening.